The following is an entry in ClinVar:

NM_153717.3(EVC):c.1782G>A (p.Trp594Ter)

Gene: EVC (EvC ciliary complex subunit 1; plus strand). Cytogenetic location: 4p16.2.
Variant type: single nucleotide variant.
Coding change: c.1782G>A on transcript NM_153717.3 (MANE Select); coding-DNA position 1782, G replaced by A.
Protein change: p.Trp594Ter; replaces tryptophan 594 with a stop codon.
Molecular consequence: nonsense.
Genome position (GRCh38, 1-based): chr4:5,793,613, G>A. VCF-style: chr4-5793613-G-A. GRCh37 (hg19) VCF-style: chr4-5795340-G-A.
Other names: c.1782G>A, p.Trp594Ter (NM_001306090.2); short protein forms W594*.
Identifiers: ClinVar variation 4293065 (VCV004293065.1).

ClinVar aggregate classification (germline): Pathogenic (1 of 4 stars; one submission).

Conditions:
Ellis-van Creveld syndrome (EVC). Also called: MESOECTODERMAL DYSPLASIA; Chondroectodermal dysplasia; EVC-Related Ellis-van Creveld Syndrome; EVC2-Related Ellis-van Creveld Syndrome. Identifiers: Orphanet 289, MedGen C0013903, MONDO:0009162, OMIM 225500.

Submission:

3billion
Classification: Pathogenic for Ellis-van Creveld syndrome. Last evaluated: 2024-07-16. Review status: criteria provided, single submitter. Criteria: ACMG Guidelines, 2015. Collection method: clinical testing. Allele origin: germline. Affected: yes.
Comment: The variant is not observed in the gnomAD v4.0.0 dataset. Predicted Consequence/Location: Stop-gained (nonsense): predicted to result in a loss or disruption of normal protein function through nonsense-mediated decay (NMD) or protein truncation. Multiple pathogenic variants are reported downstream of the variant. Therefore, this variant is classified as Pathogenic according to the recommendation of ACMG/AMP guideline.